The following is an entry in ClinVar:

ClinVar aggregate classification (germline): Uncertain significance (1 of 4 stars; one submission).

Allele frequency attached by ClinVar (database versions not stated): gnomAD exomes below 0.00001; TOPMed below 0.00001; ExAC 0.00001.

Submission:

Labcorp Genetics (formerly Invitae), Labcorp
Classification: Uncertain significance. Last evaluated: 2022-03-10. Review status: criteria provided, single submitter. Criteria: Invitae Variant Classification Sherloc (09022015). Collection method: clinical testing. Allele origin: germline.
Comment: This variant is present in population databases (rs774549081, gnomAD 0.0009%). In summary, the available evidence is currently insufficient to determine the role of this variant in disease. Therefore, it has been classified as a Variant of Uncertain Significance. Algorithms developed to predict the effect of missense changes on protein structure and function are either unavailable or do not agree on the potential impact of this missense change (SIFT: "Deleterious"; PolyPhen-2: "Benign"; Align-GVGD: "Class C0"). ClinVar contains an entry for this variant (Variation ID: 1025325). This variant has not been reported in the literature in individuals affected with IMPG2-related conditions. This sequence change replaces leucine, which is neutral and non-polar, with methionine, which is neutral and non-polar, at codon 1043 of the IMPG2 protein (p.Leu1043Met).

NM_016247.4(IMPG2):c.3127C>A (p.Leu1043Met)

Gene: IMPG2 (interphotoreceptor matrix proteoglycan 2; minus strand). Cytogenetic location: 3q12.3.
Variant type: single nucleotide variant.
Coding change: c.3127C>A on transcript NM_016247.4 (MANE Select); coding-DNA position 3127, C replaced by A.
Protein change: p.Leu1043Met; replaces leucine 1043 with methionine.
Molecular consequence: missense variant.
Genome position (GRCh38, 1-based): chr3:101,232,887, G>T on the plus strand (C>A on the coding strand, the complement: IMPG2 is on the minus strand). VCF-style: chr3-101232887-G-T. GRCh37 (hg19) VCF-style: chr3-100951731-G-T.
Other names: short protein forms L1043M.
Identifiers: ClinVar variation 1025325 (VCV001025325.8), dbSNP rs774549081, ClinGen allele CA2518827.